The following is an entry in ClinVar:

ClinVar aggregate classification (germline): Likely pathogenic. Review status: criteria provided, multiple submitters, no conflicts (2 of 4 stars). 3 submissions from 3 submitters: Likely pathogenic (3). Last evaluated 2026-01-02.

Conditions:
Hereditary cancer-predisposing syndrome. Also called: Neoplastic Syndromes, Hereditary; Tumor predisposition; Hereditary Cancer Syndrome; Hereditary neoplastic syndrome. Identifiers: Orphanet 140162, MedGen C0027672, MeSH D009386, MONDO:0015356.
Familial cancer of breast. Also called: Hereditary breast cancer; hereditary breast carcinoma; BREAST CANCER, FAMILIAL. Identifiers: Orphanet 227535, MedGen C0346153, MONDO:0016419, OMIM 114480. Disease mechanism: loss of function.
Ataxia-telangiectasia syndrome (AT). Also called: Ataxia telangiectasia (A-T); ATAXIA-TELANGIECTASIA, COMPLEMENTATION GROUP A; ATAXIA-TELANGIECTASIA, FRESNO VARIANT; Ataxia-telangiectasia; Ataxia-telangiectasia, complementation group E; LOUIS-BAR SYNDROME. Identifiers: Orphanet 100, MedGen C0004135, MONDO:0008840, OMIM 208900.

Submissions (3):

Ambry Genetics
Classification: Likely pathogenic for Hereditary cancer-predisposing syndrome. Last evaluated: 2026-01-02. Review status: criteria provided, single submitter. Criteria: Ambry Variant Classification Scheme 2023. Collection method: clinical testing. Allele origin: germline.
Comment: The c.6807+2T>C intronic variant results from a T to C substitution two nucleotides after coding exon 45 in the ATM gene. In an assay testing ATM function, this variant showed a functionally abnormal result (Lee KS et al. Cell, 2025 Sep;188:5081-5099.e27). This variant is considered to be rare based on population cohorts in the Genome Aggregation Database (gnomAD). This nucleotide position is highly conserved in available vertebrate species. In silico splice site analysis predicts that this alteration will weaken the native splice donor site. RNA studies have demonstrated that this alteration results in abnormal splicing in the set of samples tested (Ambry internal data). Alterations that disrupt the canonical splice site are expected to cause aberrant splicing, resulting in an abnormal protein or a transcript that is subject to nonsense-mediated mRNA decay. As such, this alteration is classified as likely pathogenic.

Myriad Genetics, Inc.
Classification: Likely pathogenic for Familial cancer of breast. Last evaluated: 2024-01-30. Review status: criteria provided, single submitter. Criteria: Myriad Autosomal Dominant, Autosomal Recessive and X-Linked Classification Criteria (2023). Collection method: clinical testing. Allele origin: unknown.
Comment: This variant is considered likely pathogenic. This variant occurs within a consensus splice junction and is predicted to result in abnormal mRNA splicing of either an out-of-frame exon or an in-frame exon necessary for protein stability and/or normal function.

Labcorp Genetics (formerly Invitae), Labcorp
Classification: Likely pathogenic for Ataxia-telangiectasia syndrome. Last evaluated: 2020-03-18. Review status: criteria provided, single submitter. Criteria: Invitae Variant Classification Sherloc (09022015). Collection method: clinical testing. Allele origin: germline.
Comment: This variant has not been reported in the literature in individuals with ATM-related conditions. Algorithms developed to predict the effect of sequence changes on RNA splicing suggest that this variant may disrupt the consensus splice site, but this prediction has not been confirmed by published transcriptional studies. Donor and acceptor splice site variants typically lead to a loss of protein function (PMID: 16199547), and loss-of-function variants in ATM are known to be pathogenic (PMID: 23807571, 25614872). In summary, the currently available evidence indicates that the variant is pathogenic, but additional data are needed to prove that conclusively. Therefore, this variant has been classified as Likely Pathogenic. This variant is not present in population databases (ExAC no frequency). This sequence change affects a donor splice site in intron 46 of the ATM gene. It is expected to disrupt RNA splicing and likely results in an absent or disrupted protein product.

Literature cited by the submitters: PubMed 40580951 (cited by Ambry Genetics); PubMed 16199547 (cited by Labcorp Genetics (formerly Invitae), Labcorp); PubMed 23807571 (cited by Labcorp Genetics (formerly Invitae), Labcorp); PubMed 25614872 (cited by Labcorp Genetics (formerly Invitae), Labcorp).

NM_000051.4(ATM):c.6807+2T>C

Genes: ATM (ATM serine/threonine kinase; plus strand), C11orf65 (chromosome 11 open reading frame 65; minus strand). Cytogenetic location: 11q22.3.
Variant type: single nucleotide variant.
Coding change: c.6807+2T>C on transcript NM_000051.4 (MANE Select); the canonical splice donor site of the intron after coding-DNA position 6807, T replaced by C.
Molecular consequence: splice donor variant. On other transcripts: intron variant (2).
Genome position (GRCh38, 1-based): chr11:108,325,546, T>C. VCF-style: chr11-108325546-T-C. GRCh37 (hg19) VCF-style: chr11-108196273-T-C.
Other names: c.6807+2T>C (NM_001351834.2); c.641-16475A>G (NM_001330368.2); c.*38+9674A>G (NM_001351110.2).
Identifiers: ClinVar variation 1068158 (VCV001068158.9), dbSNP rs2136319469, ClinGen allele CA382555645.
Genomic context (GRCh38, chr11:108,325,546, plus strand): 5'-TTCTCACCAAACACCTTGTAGAACTCTCTATACTGGCCAGAACTTTCAAGAACACTCAGG[T>C]AAATACAATTTAAAACTATGTCATCTTACCTCTTGACTTTCCTTTTATTATTTAAAAAAC-3'